The following is an entry in ClinVar:

NM_001377.3(DYNC2H1):c.645A>G (p.Leu215=)

Gene: DYNC2H1 (dynein cytoplasmic 2 heavy chain 1; plus strand). Cytogenetic location: 11q22.3.
Variant type: single nucleotide variant.
Coding change: c.645A>G on transcript NM_001377.3 (MANE Select); coding-DNA position 645, A replaced by G.
Protein change: p.Leu215=; no amino-acid change (leucine 215 retained).
Molecular consequence: synonymous variant.
Genome position (GRCh38, 1-based): chr11:103,116,593, A>G. VCF-style: chr11-103116593-A-G. GRCh37 (hg19) VCF-style: chr11-102987322-A-G.
Other names: p.Leu215=; c.645A>G, p.Leu215= (NM_001080463.2).
Identifiers: ClinVar variation 302004 (VCV000302004.31), dbSNP rs116666272, ClinGen allele CA6252561.

ClinVar aggregate classification (germline): Benign/Likely benign. Review status: criteria provided, multiple submitters, no conflicts (2 of 4 stars). 8 submissions from 8 submitters: Benign (5); Likely benign (1). 2 of the submissions do not count toward it. Last evaluated 2026-01-31.

Conditions:
Jeune thoracic dystrophy. Also called: Short-rib thoracic dysplasia; Jeune syndrome; Infantile thoracic dystrophy; Thoracic pelvic phalangeal dystrophy; Jeune's syndrome; Chondroectodermal dysplasia-like syndrome. Identifiers: Orphanet 474, MedGen C0265275, MONDO:0018770.
Asphyxiating thoracic dystrophy 3. Also called: SHORT-RIB THORACIC DYSPLASIA 3 WITH OR WITHOUT POLYDACTYLY; POLYDACTYLY WITH NEONATAL CHONDRODYSTROPHY, TYPE I; SHORT-RIB THORACIC DYSPLASIA 3/6 WITH POLYDACTYLY, DIGENIC; Short rib polydactyly syndrome 2B; Saldino-Noonan Syndrome. Identifiers: Orphanet 474, Orphanet 93269, Orphanet 93270, Orphanet 93271, MedGen C0036069, MONDO:0013127, OMIM 613091.

Allele frequency attached by ClinVar (database versions not stated): ExAC 0.00482; ESP Exome Variant Server 0.01531; gnomAD 0.01563 and 0.01688; 1000 Genomes Project 0.01757; TOPMed 0.01773; 1000 Genomes Project 30x 0.01780.
gnomAD v4.1: 4,975 of 1,606,950 alleles (0.31%); highest among the groups gnomAD compares: African/African-American, 5.4%; 105 homozygotes.

Submissions (8):

Labcorp Genetics (formerly Invitae), Labcorp
Classification: Benign for Jeune thoracic dystrophy. Last evaluated: 2026-01-31. Review status: criteria provided, single submitter. Criteria: Invitae Variant Classification Sherloc (09022015). Collection method: clinical testing. Allele origin: germline.

ARUP Laboratories, Molecular Genetics and Genomics, ARUP Laboratories
Classification: Benign for Asphyxiating thoracic dystrophy 3. Last evaluated: 2025-06-24. Review status: criteria provided, single submitter. Criteria: ARUP Molecular Germline Variant Investigation Process 2024. Collection method: clinical testing. Allele origin: germline.

Mayo Clinic Laboratories, Mayo Clinic
Classification: Benign. Last evaluated: 2023-04-10. Review status: criteria provided, single submitter. Criteria: ACMG Guidelines, 2015. Collection method: clinical testing. Allele origin: germline. Observed: 2 variant alleles.

Illumina Laboratory Services, Illumina
Classification: Benign for Asphyxiating thoracic dystrophy 3. Last evaluated: 2018-01-13. Review status: criteria provided, single submitter. Criteria: ICSL Variant Classification Criteria 13 December 2019. Collection method: clinical testing. Allele origin: germline.
Comment: This variant was observed in the ICSL laboratory as part of a predisposition screen in an ostensibly healthy population. It had not been previously curated by ICSL or reported in the Human Gene Mutation Database (HGMD: prior to June 1st, 2018), and was therefore a candidate for classification through an automated scoring system. Utilizing variant allele frequency, disease prevalence and penetrance estimates, and inheritance mode, an automated score was calculated to assess if this variant is too frequent to cause the disease. Based on the score and internal cut-off values, a variant classified as benign is not then subjected to further curation. The score for this variant resulted in a classification of benign for this disease.

GeneDx
Classification: Benign. Last evaluated: 2016-10-10. Review status: criteria provided, single submitter. Criteria: GeneDx Variant Classification (06012015). Collection method: clinical testing. Allele origin: germline. Affected: yes.
Comment: This variant is considered likely benign or benign based on one or more of the following criteria: it is a conservative change, it occurs at a poorly conserved position in the protein, it is predicted to be benign by multiple in silico algorithms, and/or has population frequency not consistent with disease.

Breakthrough Genomics
Classification: Likely benign. Review status: criteria provided, single submitter. Criteria: ACMG Guidelines, 2015. Collection method: not provided. Allele origin: germline. Inheritance: Autosomal recessive inheritance. Affected: yes.

Clinical Genetics DNA and cytogenetics Diagnostics Lab, Erasmus MC, Erasmus Medical Center
Classification: Benign. Review status: no assertion criteria provided. Collection method: clinical testing. Allele origin: germline. Affected: yes. Study: VKGL Data-share Consensus. Not counted in ClinVar's aggregate classification.

Joint Genome Diagnostic Labs from Nijmegen and Maastricht, Radboudumc and MUMC+
Classification: Benign. Review status: no assertion criteria provided. Collection method: clinical testing. Allele origin: germline. Affected: yes. Study: VKGL Data-share Consensus. Not counted in ClinVar's aggregate classification.